The following is an entry in ClinVar:

ClinVar aggregate classification (germline): Conflicting classifications of pathogenicity. Review status: criteria provided, conflicting classifications (1 of 4 stars). 5 submissions from 5 submitters: Uncertain significance (2); Likely benign (2). 1 of the submissions does not count toward it. Last evaluated 2026-02-01.

Conditions:
Duchenne muscular dystrophy (DMD). Also called: Duchenne Muscular Dystrophy (DMD); MUSCULAR DYSTROPHY, PSEUDOHYPERTROPHIC PROGRESSIVE, DUCHENNE TYPE. Identifiers: Orphanet 98896, MedGen C0013264, MONDO:0010679, OMIM 310200.
Dystrophin deficiency.
Becker muscular dystrophy (BMD). Also called: Becker Muscular Dystrophy (BMD); MUSCULAR DYSTROPHY, PSEUDOHYPERTROPHIC PROGRESSIVE, BECKER TYPE. Identifiers: Orphanet 98895, MedGen C0917713, MONDO:0010311, OMIM 300376.
Cardiomyopathy (CMYO). Also called: Cardiomyopathies. Identifiers: Orphanet 167848, MedGen C0878544, MONDO:0004994, HP:0001638. Inheritance: Various modes of inheritance.
Cardiovascular phenotype. Identifiers: MedGen CN230736.

Allele frequency attached by ClinVar (database versions not stated): ExAC 0.00001; gnomAD 0.00001; gnomAD exomes 0.00003 and 0.00012; TOPMed 0.00004; ESP Exome Variant Server 0.00009.
gnomAD v4.1: 132 of 1,210,475 alleles (0.011%); highest among the groups gnomAD compares: Non-Finnish European, 0.014%; no homozygotes.

Submissions (5):

CeGaT Center for Human Genetics Tuebingen
Classification: Likely benign. Last evaluated: 2026-02-01. Review status: criteria provided, single submitter. Criteria: CeGaT Center For Human Genetics Tuebingen Variant Classification Criteria Version 2. Collection method: clinical testing. Allele origin: germline. Affected: yes. Observed: 1 variant allele.
Comment: DMD: BS2

Labcorp Genetics (formerly Invitae), Labcorp
Classification: Likely benign for Duchenne muscular dystrophy. Last evaluated: 2025-12-27. Review status: criteria provided, single submitter. Criteria: Invitae Variant Classification Sherloc (09022015). Collection method: clinical testing. Allele origin: germline.

Ambry Genetics
Classification: Uncertain significance for Cardiovascular phenotype. Last evaluated: 2025-05-21. Review status: criteria provided, single submitter. Criteria: Ambry Variant Classification Scheme 2023. Collection method: clinical testing. Allele origin: germline.
Comment: The p.I585S variant (also known as c.1754T>G), located in coding exon 15 of the DMD gene, results from a T to G substitution at nucleotide position 1754. The isoleucine at codon 585 is replaced by serine, an amino acid with dissimilar properties. Based on data from gnomAD, the G allele has an overall frequency of 0.003% (7/205369) total alleles studied, with 1 hemizygote observed. The highest observed frequency was 0.007% (2/28008) of Latino alleles. This amino acid position is highly conserved in available vertebrate species. In addition, the in silico prediction for this alteration is inconclusive. Based on the available evidence, the clinical significance of this variant remains unclear.

Revvity Omics, Revvity
Classification: Uncertain significance. Last evaluated: 2023-09-11. Review status: criteria provided, single submitter. Criteria: ACMG Guidelines, 2015. Collection method: clinical testing. Allele origin: germline.

Natera, Inc.
Classification: Uncertain significance for Becker muscular dystrophy; Cardiomyopathy; Duchenne muscular dystrophy; Dystrophin deficiency. Last evaluated: 2020-05-06. Review status: no assertion criteria provided. Collection method: clinical testing. Allele origin: germline. Not counted in ClinVar's aggregate classification.

NM_004006.3(DMD):c.1754T>G (p.Ile585Ser)

Gene: DMD (dystrophin; minus strand). Cytogenetic location: Xp21.1.
Variant type: single nucleotide variant.
Coding change: c.1754T>G on transcript NM_004006.3 (MANE Select); coding-DNA position 1754, T replaced by G.
Protein change: p.Ile585Ser; replaces isoleucine 585 with serine.
Molecular consequence: missense variant.
Genome position (GRCh38, 1-based): chrX:32,573,588, A>C on the plus strand (T>G on the coding strand, the complement: DMD is on the minus strand). VCF-style: chrX-32573588-A-C. GRCh37 (hg19) VCF-style: chrX-32591705-A-C.
Other names: c.1730T>G, p.Ile577Ser (NM_000109.4); c.1742T>G, p.Ile581Ser (NM_004009.3); c.1385T>G, p.Ile462Ser (NM_004010.3); short protein forms I577S, I581S, I585S, I462S.
Identifiers: ClinVar variation 968272 (VCV000968272.16), dbSNP rs376238937, ClinGen allele CA10379737.
Genomic context (GRCh38, chrX:32,573,588, plus strand): 5'-ACGGCCAGTTTTTGAAGACTTGATAACATTTCATTTTGATCTTTAAAGCCAGTTGTGTGA[A>C]TCTTGTTCACTGCATCTTCTTTTTCTGAAAGCCATGCACTAAAAAGGCACTGCAAGACAT-3'
Protein context (NP_003997.2, residues 575-595): LSEKEDAVNK[Ile585Ser]HTTGFKDQNE